The following is an entry in ClinVar:

ClinVar aggregate classification (germline): Uncertain significance (1 of 4 stars; one submission).

Allele frequency attached by ClinVar (database versions not stated): gnomAD exomes below 0.00001.
gnomAD v4.1: 1 of 1,613,590 alleles (0.000062%); highest among the groups gnomAD compares: Non-Finnish European, 0.000085%; no homozygotes.

Submission:

Labcorp Genetics (formerly Invitae), Labcorp
Classification: Uncertain significance. Last evaluated: 2025-02-17. Review status: criteria provided, single submitter. Criteria: Invitae Variant Classification Sherloc (09022015). Collection method: clinical testing. Allele origin: germline.
Comment: This sequence change falls in intron 7 of the CAD gene. It does not directly change the encoded amino acid sequence of the CAD protein. It affects a nucleotide within the consensus splice site. This variant is not present in population databases (gnomAD no frequency). This variant has not been reported in the literature in individuals affected with CAD-related conditions. ClinVar contains an entry for this variant (Variation ID: 2004063). Variants that disrupt the consensus splice site are a relatively common cause of aberrant splicing (PMID: 17576681, 9536098). Algorithms developed to predict the effect of sequence changes on RNA splicing suggest that this variant may disrupt the consensus splice site. In summary, the available evidence is currently insufficient to determine the role of this variant in disease. Therefore, it has been classified as a Variant of Uncertain Significance.

Literature cited by the submitters: PubMed 17576681; PubMed 9536098.

NM_004341.5(CAD):c.995+5G>A

Gene: CAD (carbamoyl-phosphate synthetase 2, aspartate transcarbamylase, and dihydroorotase; plus strand). Cytogenetic location: 2p23.3.
Variant type: single nucleotide variant.
Coding change: c.995+5G>A on transcript NM_004341.5 (MANE Select); 5 bases into the intron after coding-DNA position 995, G replaced by A.
Molecular consequence: intron variant.
Genome position (GRCh38, 1-based): chr2:27,223,753, G>A. VCF-style: chr2-27223753-G-A. GRCh37 (hg19) VCF-style: chr2-27446621-G-A.
Other names: c.995+5G>A (NM_001306079.2).
Identifiers: ClinVar variation 2004063 (VCV002004063.4), dbSNP rs2465293543, ClinGen allele CA2576936386.